The following is an entry in ClinVar:

NM_004004.6(GJB2):c.280C>T (p.His94Tyr)

Gene: GJB2 (gap junction protein beta 2; minus strand). Cytogenetic location: 13q12.11.
Variant type: single nucleotide variant.
Coding change: c.280C>T on transcript NM_004004.6 (MANE Select); coding-DNA position 280, C replaced by T.
Protein change: p.His94Tyr; replaces histidine 94 with tyrosine.
Molecular consequence: missense variant.
Genome position (GRCh38, 1-based): chr13:20,189,302, G>A on the plus strand (C>T on the coding strand, the complement: GJB2 is on the minus strand). VCF-style: chr13-20189302-G-A. GRCh37 (hg19) VCF-style: chr13-20763441-G-A.
Other names: short protein forms H94Y.
Identifiers: ClinVar variation 666834 (VCV000666834.8), dbSNP rs1593351383, ClinGen allele CA387461482.

ClinVar aggregate classification (germline): Uncertain significance. Review status: criteria provided, multiple submitters, no conflicts (2 of 4 stars). 3 submissions from 3 submitters: Uncertain significance (3). Last evaluated 2021-11-26.

Submissions (3):

GeneDx
Classification: Uncertain significance. Last evaluated: 2021-11-26. Review status: criteria provided, single submitter. Criteria: GeneDx Variant Classification Process June 2021. Collection method: clinical testing. Allele origin: germline. Affected: yes.
Comment: Not observed at significant frequency in large population cohorts (gnomAD); In silico analysis supports that this missense variant has a deleterious effect on protein structure/function; Has not been previously published as pathogenic or benign to our knowledge

Women's Health and Genetics/Laboratory Corporation of America, LabCorp
Classification: Uncertain significance. Last evaluated: 2021-06-07. Review status: criteria provided, single submitter. Criteria: LabCorp Variant Classification Summary - May 2015. Collection method: clinical testing. Allele origin: germline.
Comment: Variant summary: GJB2 c.280C>T (p.His94Tyr) results in a conservative amino acid change located in the Connexin, N-terminal domain (IPR013092) of the encoded protein sequence. Three of five in-silico tools predict a damaging effect of the variant on protein function. The variant was absent in 251190 control chromosomes (gnomAD). The available data on variant occurrences in the general population are insufficient to allow any conclusion about variant significance. To our knowledge, no occurrence of c.280C>T in individuals affected with Non-Syndromic Hearing Loss and no experimental evidence demonstrating its impact on protein function have been reported. A ClinVar submitter (evaluation after 2014) cites the variant as uncertain significance. Based on the evidence outlined above, the variant was classified as uncertain significance.

Laboratory for Molecular Medicine, Mass General Brigham Personalized Medicine
Classification: Uncertain significance. Last evaluated: 2019-07-30. Review status: criteria provided, single submitter. Criteria: LMM Criteria. Collection method: clinical testing. Allele origin: germline. Observed: 2 variant alleles.
Comment: The p.His94Tyr variant in GJB2 has not been reported in any other families with hearing loss and was absent from large population studies. Computational prediction tools and conservation analyses suggest that this variant may impact the protein, though this information is not predictive enough to determine pathogenicity. Another variant at this amino acid position (c.281A>T; p.His94Leu) has been identified by our laboratory in 2 siblings and a parent with sensorineural hearing loss, none of whom were found to have a second GJB2 variant or a GJB6 deletion. Taken together, this suggests that variants impacting the histidine (His) residue at amino acid position 94 may result in autosomal dominant hearing loss; however, the available data is insufficient to establish a disease-causing role for either variant. In summary, the clinical significance of the p.His94Tyr variant is uncertain. ACMG/AMP criteria applied: PM2; PP3.